The following is an entry in ClinVar:

ClinVar aggregate classification (germline): Uncertain significance (1 of 4 stars; one submission).

gnomAD v4.1: 12 of 1,611,404 alleles (0.00074%); highest among the groups gnomAD compares: African/African-American, 0.0054%; no homozygotes.

Submission:

CeGaT Center for Human Genetics Tuebingen
Classification: Uncertain significance. Last evaluated: 2024-09-01. Review status: criteria provided, single submitter. Criteria: CeGaT Center For Human Genetics Tuebingen Variant Classification Criteria Version 2. Collection method: clinical testing. Allele origin: germline. Affected: yes. Observed: 1 variant allele.
Comment: VPS13C: PM2, BP4

NM_020821.3(VPS13C):c.2122C>T (p.His708Tyr)

Gene: VPS13C (vacuolar protein sorting 13 homolog C; minus strand). Cytogenetic location: 15q22.2.
Variant type: single nucleotide variant.
Coding change: c.2122C>T on transcript NM_020821.3 (MANE Select); coding-DNA position 2122, C replaced by T.
Protein change: p.His708Tyr; replaces histidine 708 with tyrosine.
Molecular consequence: missense variant.
Genome position (GRCh38, 1-based): chr15:61,981,386, G>A on the plus strand (C>T on the coding strand, the complement: VPS13C is on the minus strand). VCF-style: chr15-61981386-G-A. GRCh37 (hg19) VCF-style: chr15-62273585-G-A.
Other names: c.2122C>T, p.His708Tyr (NM_001018088.3); c.1993C>T, p.His665Tyr (NM_017684.5, NM_018080.4); short protein forms H665Y, H708Y.
Identifiers: ClinVar variation 3388307 (VCV003388307.14).